The following is an entry in ClinVar:

ClinVar aggregate classification (germline): Benign. Review status: criteria provided, multiple submitters, no conflicts (2 of 4 stars). 3 submissions from 3 submitters: Benign (3). Last evaluated 2018-08-09.

Conditions:
Hypophosphatasia. Also called: Phosphoethanol-aminuria. Identifiers: Orphanet 436, MedGen C0020630, MeSH D007014, MONDO:0018570.

Allele frequency attached by ClinVar (database versions not stated): TOPMed 0.86551; 1000 Genomes Project 0.86821; 1000 Genomes Project 30x 0.86930; gnomAD 0.87087 and 0.87183; gnomAD exomes 0.89017.
gnomAD v4.1: 1,168,232 of 1,316,296 alleles (89%); highest among the groups gnomAD compares: South Asian, 93%; 519,021 homozygotes.

Submissions (3):

GeneDx
Classification: Benign. Last evaluated: 2018-08-09. Review status: criteria provided, single submitter. Criteria: GeneDx Variant Classification Process June 2021. Collection method: clinical testing. Allele origin: germline. Affected: yes.

Illumina Laboratory Services, Illumina
Classification: Benign for Hypophosphatasia. Last evaluated: 2018-01-13. Review status: criteria provided, single submitter. Criteria: ICSL Variant Classification Criteria 13 December 2019. Collection method: clinical testing. Allele origin: germline.
Comment: This variant was observed in the ICSL laboratory as part of a predisposition screen in an ostensibly healthy population. It had not been previously curated by ICSL or reported in the Human Gene Mutation Database (HGMD: prior to June 1st, 2018), and was therefore a candidate for classification through an automated scoring system. Utilizing variant allele frequency, disease prevalence and penetrance estimates, and inheritance mode, an automated score was calculated to assess if this variant is too frequent to cause the disease. Based on the score and internal cut-off values, a variant classified as benign is not then subjected to further curation. The score for this variant resulted in a classification of benign for this disease.

Breakthrough Genomics
Classification: Benign. Review status: criteria provided, single submitter. Criteria: ACMG Guidelines, 2015. Collection method: not provided. Allele origin: germline. Inheritance: Autosomal recessive inheritance. Affected: yes.

NM_000478.6(ALPL):c.*126A>G

Gene: ALPL (alkaline phosphatase, biomineralization associated; plus strand). Cytogenetic location: 1p36.12.
Variant type: single nucleotide variant.
Coding change: c.*126A>G on transcript NM_000478.6 (MANE Select); 126 bases downstream of the stop codon, A replaced by G.
Molecular consequence: 3 prime UTR variant.
Genome position (GRCh38, 1-based): chr1:21,577,774, A>G. VCF-style: chr1-21577774-A-G. GRCh37 (hg19) VCF-style: chr1-21904267-A-G.
Other names: c.*126A>G (NM_001127501.4, NM_001177520.3, NM_001369803.2 and 2 more transcripts).
Identifiers: ClinVar variation 295561 (VCV000295561.9), dbSNP rs1697406, ClinGen allele CA10609024.